The following is an entry in ClinVar:

ClinVar aggregate classification (germline): Pathogenic (1 of 4 stars; one submission).

gnomAD v4.1: 3 of 1,613,964 alleles (0.00019%); highest among the groups gnomAD compares: African/African-American, 0.0027%; no homozygotes.

Submission:

Labcorp Genetics (formerly Invitae), Labcorp
Classification: Pathogenic. Last evaluated: 2024-05-18. Review status: criteria provided, single submitter. Criteria: Invitae Variant Classification Sherloc (09022015). Collection method: clinical testing. Allele origin: germline.
Comment: This sequence change creates a premature translational stop signal (p.Trp349*) in the ARSG gene. It is expected to result in an absent or disrupted protein product. Loss-of-function variants in ARSG are known to be pathogenic (PMID: 26975023, 34223797). This variant is present in population databases (no rsID available, gnomAD 0.007%). This variant has not been reported in the literature in individuals affected with ARSG-related conditions. For these reasons, this variant has been classified as Pathogenic.

Literature cited by the submitters: PubMed 26975023; PubMed 34223797.

NM_001267727.2(ARSG):c.1046G>A (p.Trp349Ter)

Gene: ARSG (arylsulfatase G; plus strand). Cytogenetic location: 17q24.2.
Variant type: single nucleotide variant.
Coding change: c.1046G>A on transcript NM_001267727.2 (MANE Select); coding-DNA position 1046, G replaced by A.
Protein change: p.Trp349Ter; replaces tryptophan 349 with a stop codon.
Molecular consequence: nonsense.
Genome position (GRCh38, 1-based): chr17:68,385,127, G>A. VCF-style: chr17-68385127-G-A. GRCh37 (hg19) VCF-style: chr17-66381268-G-A.
Other names: c.1046G>A, p.Trp349Ter (NM_001352899.2, NM_001352900.2, NM_001352901.2 and 3 more transcripts); c.1043G>A, p.Trp348Ter (NM_001352903.2, NM_001352904.2, NM_001352905.2 and 2 more transcripts); c.998G>A, p.Trp333Ter (NM_001352909.2); short protein forms W333*, W348*, W349*.
Identifiers: ClinVar variation 3621813 (VCV003621813.2).
Genomic context (GRCh38, chr17:68,385,127, plus strand): 5'-GAAGTCCAGCCAAGCAGACGACCTGGGAAGGAGGGCACCGGGTCCCAGCACTGGCTTACT[G>A]GCCTGGCAGAGTTCCAGTTAATGTCACCAGCACTGCCTTGTTAAGGTATGAGACCAAAAC-3'